The following is an entry in ClinVar:

ClinVar aggregate classification (germline): Conflicting classifications of pathogenicity. Review status: criteria provided, conflicting classifications (1 of 4 stars). 2 submissions from 2 submitters: Uncertain significance (1); Benign (1). Last evaluated 2024-08-21.

Conditions:
CHARGE syndrome (CHARGE). Also called: Hittner Hirsch Kreh syndrome; CHARGE ASSOCIATION--COLOBOMA, HEART ANOMALY, CHOANAL ATRESIA, RETARDATION, GENITAL AND EAR ANOMALIES; Coloboma, heart anomaly, choanal atresia, retardation, genital and ear anomalies; CHARGE association; Hall-Hittner syndrome. Identifiers: Orphanet 138, MedGen C0265354, MONDO:0008965.

Allele frequency attached by ClinVar (database versions not stated): TOPMed 0.00001; ExAC 0.00002.
gnomAD v4.1: 5 of 1,613,938 alleles (0.00031%); no homozygotes.

Submissions (2):

Labcorp Genetics (formerly Invitae), Labcorp
Classification: Benign for CHARGE syndrome. Last evaluated: 2024-08-21. Review status: criteria provided, single submitter. Criteria: Invitae Variant Classification Sherloc (09022015). Collection method: clinical testing. Allele origin: germline.

CeGaT Center for Human Genetics Tuebingen
Classification: Uncertain significance. Last evaluated: 2023-11-01. Review status: criteria provided, single submitter. Criteria: CeGaT Center For Human Genetics Tuebingen Variant Classification Criteria Version 2. Collection method: clinical testing. Allele origin: germline. Affected: yes. Observed: 1 variant allele.
Comment: CHD7: PM2

NM_017780.4(CHD7):c.6196G>C (p.Glu2066Gln)

Gene: CHD7 (chromodomain helicase DNA binding protein 7; plus strand). Cytogenetic location: 8q12.2.
Variant type: single nucleotide variant.
Coding change: c.6196G>C on transcript NM_017780.4 (MANE Select); coding-DNA position 6196, G replaced by C.
Protein change: p.Glu2066Gln; replaces glutamic acid 2066 with glutamine.
Molecular consequence: missense variant. On other transcripts: intron variant (1).
Genome position (GRCh38, 1-based): chr8:60,852,921, G>C. VCF-style: chr8-60852921-G-C. GRCh37 (hg19) VCF-style: chr8-61765480-G-C.
Other names: c.1717-9308G>C (NM_001316690.1); short protein forms E2066Q.
Identifiers: ClinVar variation 2149657 (VCV002149657.27), dbSNP rs763289725, ClinGen allele CA4760548.
Genomic context (GRCh38, chr8:60,852,921, plus strand): 5'-ATCACAGAGGAGCGAGCCTCTCGAACTCTGTACCGCATTGAGCTGCTACGGAAGATCCGC[G>C]AGCAGGTTCTCCATCACCCCCAGCTGGGAGAGAGGCTTAAGCTCTGCCAGCCAAGCTTGG-3'
Protein context (NP_060250.2, residues 2056-2076): YRIELLRKIR[Glu2066Gln]QVLHHPQLGE